The following is an entry in ClinVar:

ClinVar aggregate classification (germline): Conflicting classifications of pathogenicity. Review status: criteria provided, conflicting classifications (1 of 4 stars). 4 submissions from 4 submitters: Uncertain significance (1); Benign (1); Likely benign (1). 1 of the submissions does not count toward it. Last evaluated 2025-06-09.

Conditions:
Microcephalic osteodysplastic primordial dwarfism type II (MOPD2). Also called: Microcephalic osteodysplastic primordial dwarfism with tooth abnormalities; MOPD II; OSTEODYSPLASTIC PRIMORDIAL DWARFISM, TYPE II. Identifiers: Orphanet 2637, MedGen C0432246, MONDO:0008872, OMIM 210720.
PCNT-related disorder. Also called: PCNT-related condition.

Allele frequency attached by ClinVar (database versions not stated): gnomAD exomes 0.00005 and 0.00011; gnomAD 0.00007 and 0.00010; ExAC 0.00008; ESP Exome Variant Server 0.00008; TOPMed 0.00008.

Submissions (4):

Labcorp Genetics (formerly Invitae), Labcorp
Classification: Benign. Last evaluated: 2025-06-09. Review status: criteria provided, single submitter. Criteria: Invitae Variant Classification Sherloc (09022015). Collection method: clinical testing. Allele origin: germline.

Blueprint Genetics
Classification: Likely benign. Last evaluated: 2024-10-24. Review status: criteria provided, single submitter. Criteria: ACMG Guidelines, 2015. Collection method: clinical testing. Allele origin: germline.

Illumina Laboratory Services, Illumina
Classification: Uncertain significance for Microcephalic osteodysplastic primordial dwarfism type II. Last evaluated: 2018-03-16. Review status: criteria provided, single submitter. Criteria: ICSL Variant Classification Criteria 13 December 2019. Collection method: clinical testing. Allele origin: germline.

PreventionGenetics, part of Exact Sciences
Classification: Likely benign for PCNT-related condition. Last evaluated: 2022-02-28. Review status: no assertion criteria provided. Collection method: clinical testing. Allele origin: germline. Not counted in ClinVar's aggregate classification.
Comment: This variant is classified as likely benign based on ACMG/AMP sequence variant interpretation guidelines (Richards et al. 2015 PMID: 25741868, with internal and published modifications).

NM_006031.6(PCNT):c.2784C>T (p.Gly928=)

Gene: PCNT (pericentrin; plus strand). Cytogenetic location: 21q22.3.
Variant type: single nucleotide variant.
Coding change: c.2784C>T on transcript NM_006031.6 (MANE Select); coding-DNA position 2784, C replaced by T.
Protein change: p.Gly928=; no amino-acid change (glycine 928 retained).
Molecular consequence: synonymous variant.
Genome position (GRCh38, 1-based): chr21:46,366,758, C>T. VCF-style: chr21-46366758-C-T. GRCh37 (hg19) VCF-style: chr21-47786673-C-T.
Other names: c.2430C>T, p.Gly810= (NM_001315529.2).
Identifiers: ClinVar variation 897304 (VCV000897304.11), dbSNP rs201809134, ClinGen allele CA10079094.
Genomic context (GRCh38, chr21:46,366,758, plus strand): 5'-CCAGCAGCAGCTCCTGTCAGTGACGGCGGAGCTCGAGGCCAGACACCAGGCCGCGTTGGG[C>T]GAGCTGACAGCCTCCTTAGAGAGCAAGCAGGGGGCTCTGCTGGCTGCACGTGTGGCCGAA-3'
Protein context (NP_006022.3, residues 918-938): ELEARHQAAL[Gly928=]ELTASLESKQ